The following is an entry in ClinVar:

NM_018196.4(TMLHE):c.329G>A (p.Arg110His)

Gene: TMLHE (trimethyllysine hydroxylase, epsilon; minus strand). Cytogenetic location: Xq28.
Variant type: single nucleotide variant.
Coding change: c.329G>A on transcript NM_018196.4 (MANE Select); coding-DNA position 329, G replaced by A.
Protein change: p.Arg110His; replaces arginine 110 with histidine.
Molecular consequence: missense variant.
Genome position (GRCh38, 1-based): chrX:155,524,485, C>T on the plus strand (G>A on the coding strand, the complement: TMLHE is on the minus strand). VCF-style: chrX-155524485-C-T. GRCh37 (hg19) VCF-style: chrX-154754146-C-T.
Other names: c.329G>A, p.Arg110His (NM_001184797.2); short protein forms R110H.
Identifiers: ClinVar variation 4885479 (VCV004885479.2).

ClinVar aggregate classification (germline): Uncertain significance (1 of 4 stars; one submission).

gnomAD v4.1: 18 of 1,200,670 alleles (0.0015%); highest among the groups gnomAD compares: Middle Eastern, 0.023%; no homozygotes.

Submission:

Dasa
Classification: Uncertain significance. Last evaluated: 2025-06-05. Review status: criteria provided, single submitter. Criteria: DASA Assertion Criteria. Collection method: clinical testing. Allele origin: germline.
Comment: NM_018196.4(TMLHE):c.329G>A (p.Arg110His) is a missense variant that results in the substitution of arginine with histidine. This variant is rare in population databases. Computational prediction algorithms are consistent with a benign effect. The currently available literature and clinical evidence are not sufficient to establish a definitive association between this variant and the reported condition. Therefore, this variant is classified as a variant of uncertain significance.